The following is an entry in ClinVar:

ClinVar aggregate classification (germline): Benign/Likely benign. Review status: criteria provided, multiple submitters, no conflicts (2 of 4 stars). 5 submissions from 5 submitters: Benign (3); Likely benign (2). Last evaluated 2025-08-19.

Conditions:
Long QT syndrome (LQTS). Identifiers: MedGen C0023976, MeSH D008133, MONDO:0002442. Disease mechanism: loss of function. Inheritance: Various modes of inheritance.
Cardiac arrhythmia, ankyrin-B-related. Also called: ANKYRIN-B SYNDROME. Identifiers: Orphanet 101016, Orphanet 768, MedGen C1970119, MONDO:0010958, OMIM 600919.
Congestive heart failure. Identifiers: MedGen C0018802, MONDO:0005009, HP:0001635.

Allele frequency attached by ClinVar (database versions not stated): gnomAD 0.00001; gnomAD exomes 0.00015 and 0.00033; TOPMed 0.00016; ExAC 0.00034.
gnomAD v4.1: 96 of 1,613,678 alleles (0.0059%); highest among the groups gnomAD compares: Admixed American, 0.15%; no homozygotes.

Submissions (5):

Labcorp Genetics (formerly Invitae), Labcorp
Classification: Benign for Long QT syndrome. Last evaluated: 2025-08-19. Review status: criteria provided, single submitter. Criteria: Invitae Variant Classification Sherloc (09022015). Collection method: clinical testing. Allele origin: germline.

Genome-Nilou Lab
Classification: Benign for Cardiac arrhythmia, ankyrin-B-related. Last evaluated: 2021-12-05. Review status: criteria provided, single submitter. Criteria: ACMG Guidelines, 2015. Collection method: clinical testing. Allele origin: germline. Affected: no.

Center for Advanced Laboratory Medicine, UC San Diego Health, University of California San Diego
Classification: Likely benign for Congestive heart failure. Last evaluated: 2019-04-09. Review status: criteria provided, single submitter. Criteria: ACMG Guidelines, 2015. Collection method: clinical testing. Allele origin: germline. Affected: yes. Observed: 2 variant alleles.

Illumina Laboratory Services, Illumina
Classification: Likely benign for Cardiac arrhythmia, ankyrin-B-related. Last evaluated: 2018-01-13. Review status: criteria provided, single submitter. Criteria: ICSL Variant Classification Criteria 13 December 2019. Collection method: clinical testing. Allele origin: germline.
Comment: This variant was observed in the ICSL laboratory as part of a predisposition screen in an ostensibly healthy population. It had not been previously curated by ICSL or reported in the Human Gene Mutation Database (HGMD: prior to June 1st, 2018), and was therefore a candidate for classification through an automated scoring system. Utilizing variant allele frequency, disease prevalence and penetrance estimates, and inheritance mode, an automated score was calculated to assess if this variant is too frequent to cause the disease. Based on the score and internal cut-off values, a variant classified as likely benign is not then subjected to further curation. The score for this variant resulted in a classification of likely benign for this disease.

GeneDx
Classification: Benign. Last evaluated: 2015-03-03. Review status: criteria provided, single submitter. Criteria: GeneDx Variant Classification Process June 2021. Collection method: clinical testing. Allele origin: germline. Affected: yes.

NM_001148.6(ANK2):c.4123-13T>C

Gene: ANK2 (ankyrin 2; plus strand). Cytogenetic location: 4q26.
Variant type: single nucleotide variant.
Coding change: c.4123-13T>C on transcript NM_001148.6 (MANE Select); 13 bases into the intron before coding-DNA position 4123, T replaced by C.
Molecular consequence: intron variant.
Genome position (GRCh38, 1-based): chr4:113,343,004, T>C. VCF-style: chr4-113343004-T-C. GRCh37 (hg19) VCF-style: chr4-114264160-T-C.
Other names: c.4108-13T>C (NM_001386186.2, NM_001386148.2); c.3910-13T>C (NM_001354269.3); c.3988-13T>C (NM_001386187.2); c.3982-13T>C (NM_001386147.1, NM_001354261.2); c.3967-13T>C (NM_001386160.1); c.4072-13T>C (NM_001354254.2); c.4093-13T>C (NM_001354239.2, NM_001354252.2); c.3994-13T>C (NM_001354272.2); and 31 more.
Identifiers: ClinVar variation 347321 (VCV000347321.17), dbSNP rs759465783, ClinGen allele CA3050997.
Genomic context (GRCh38, chr4:113,343,004, plus strand): 5'-CTACCACTTCTTTGTGTAAACAACAAGTATAATTGCAGCTACTTTATTGTTATTTCTCTC[T>C]GTTTTCACTCAGGTGTTAGAAGGAAAACCCATCTACGTTGATTGTTTCGGCAACTTGGTA-3'